The following is an entry in ClinVar:

ClinVar aggregate classification (germline): Uncertain significance (1 of 4 stars; one submission).

Conditions:
Familial thoracic aortic aneurysm and aortic dissection (TAAD). Also called: Thoracic aortic aneurysms and dissections. Identifiers: Orphanet 91387, MedGen C4707243, MONDO:0019625.

Allele frequency attached by ClinVar (database versions not stated): gnomAD exomes below 0.00001; TOPMed below 0.00001.
gnomAD v4.1: 1 of 1,614,050 alleles (0.000062%); highest among the groups gnomAD compares: Non-Finnish European, 0.000085%; no homozygotes.

Submission:

All of Us Research Program, National Institutes of Health
Classification: Uncertain significance for Familial thoracic aortic aneurysm and aortic dissection. Last evaluated: 2023-05-31. Review status: criteria provided, single submitter. Criteria: ACMG Guidelines, 2015. Collection method: clinical testing. Allele origin: germline. Inheritance: Autosomal dominant inheritance. Observed: 1 variant allele, 1 heterozygote.
Comment: This study involves interpretation of variants in research participants for the purpose of population health screening. Participant phenotype was not available at the time of variant classification. Additional details can be found in publication PMID: 35346344, PMCID: PMC8962531

NM_002474.3(MYH11):c.4874A>C (p.Asp1625Ala)

Genes: NDE1 (nudE neurodevelopment protein 1; plus strand), MYH11 (myosin heavy chain 11; minus strand). Cytogenetic location: 16p13.11.
Variant type: single nucleotide variant.
Coding change: c.4874A>C on transcript NM_002474.3 (MANE Select); coding-DNA position 4874, A replaced by C.
Protein change: p.Asp1625Ala; replaces aspartic acid 1625 with alanine.
Molecular consequence: missense variant. On other transcripts: intron variant (2).
Genome position (GRCh38, 1-based): chr16:15,720,230, T>G on the plus strand (A>C on the coding strand, the complement: MYH11 is on the minus strand). VCF-style: chr16-15720230-T-G. GRCh37 (hg19) VCF-style: chr16-15814087-T-G.
Other names: c.4874A>C, p.Asp1625Ala (NM_022844.3); c.4895A>C, p.Asp1632Ala (NM_001040114.2, NM_001040113.2); c.948-3961T>G (NM_001143979.2, NM_017668.3); short protein forms D1625A, D1632A.
Identifiers: ClinVar variation 3071339 (VCV003071339.1), dbSNP rs1276709633, ClinGen allele CA394852495.